The following is an entry in ClinVar:

NM_000492.4(CFTR):c.274-6T>C

Gene: CFTR (CF transmembrane conductance regulator; plus strand). Cytogenetic location: 7q31.2.
Variant type: single nucleotide variant.
Coding change: c.274-6T>C on transcript NM_000492.4 (MANE Select); 6 bases into the intron before coding-DNA position 274, T replaced by C.
Molecular consequence: intron variant.
Genome position (GRCh38, 1-based): chr7:117,530,893, T>C. VCF-style: chr7-117530893-T-C. GRCh37 (hg19) VCF-style: chr7-117170947-T-C.
Other names: p.?.
Identifiers: ClinVar variation 237855 (VCV000237855.71), dbSNP rs371315549, ClinGen allele CA4450698.

ClinVar aggregate classification (germline): Conflicting classifications of pathogenicity. Review status: criteria provided, conflicting classifications (1 of 4 stars). 18 submissions from 18 submitters: Uncertain significance (2); Benign (1); Likely benign (14). 1 of the submissions does not count toward it. Last evaluated 2026-01-19.

Conditions:
CFTR-related disorder (CFTR-RD). Also called: CFTR-related disorders; CFTR-related condition. Identifiers: MedGen C5924204, MONDO:7770004.
Hereditary pancreatitis (PCTT). Also called: Hereditary chronic pancreatitis; PRSS1-Related Hereditary Pancreatitis. Identifiers: Orphanet 676, MedGen C0238339, MONDO:0008185, OMIM 167800.
Cystic fibrosis (CF). Also called: MUCOVISCIDOSIS. Identifiers: Orphanet 586, MedGen C0010674, MONDO:0009061, OMIM 219700. Disease mechanism: loss of function.

Allele frequency attached by ClinVar (database versions not stated): ESP Exome Variant Server 0.00038; gnomAD 0.00046 and 0.00047; gnomAD exomes 0.00047 and 0.00088; ExAC 0.00050; TOPMed 0.00054.
gnomAD v4.1: 1,322 of 1,587,290 alleles (0.083%); highest among the groups gnomAD compares: Non-Finnish European, 0.11%; 1 homozygote.

Submissions (18):

Labcorp Genetics (formerly Invitae), Labcorp
Classification: Likely benign for Cystic fibrosis. Last evaluated: 2026-01-19. Review status: criteria provided, single submitter. Criteria: Invitae Variant Classification Sherloc (09022015). Collection method: clinical testing. Allele origin: germline.

PreventionGenetics, part of Exact Sciences
Classification: Likely benign for CFTR-related condition. Last evaluated: 2025-08-20. Review status: criteria provided, single submitter. Criteria: ACMG Guidelines, 2015. Collection method: clinical testing. Allele origin: germline.
Comment: This variant is classified as likely benign based on ACMG/AMP sequence variant interpretation guidelines (Richards et al. 2015 PMID: 25741868, with internal and published modifications).

Mayo Clinic Laboratories, Mayo Clinic
Classification: Likely benign. Last evaluated: 2025-03-04. Review status: criteria provided, single submitter. Criteria: ACMG Guidelines, 2015. Collection method: clinical testing. Allele origin: germline. Observed: 8 variant alleles.
Comment: BP4, BP7

Quest Diagnostics Nichols Institute San Juan Capistrano
Classification: Likely benign. Last evaluated: 2025-02-10. Review status: criteria provided, single submitter. Criteria: Quest Diagnostics criteria. Collection method: clinical testing. Allele origin: unknown.

ARUP Laboratories, Molecular Genetics and Genomics, ARUP Laboratories
Classification: Likely benign. Last evaluated: 2024-12-09. Review status: criteria provided, single submitter. Criteria: ARUP Molecular Germline Variant Investigation Process 2024. Collection method: clinical testing. Allele origin: germline.

Blueprint Genetics
Classification: Likely benign. Last evaluated: 2024-11-22. Review status: criteria provided, single submitter. Criteria: ACMG Guidelines, 2015. Collection method: clinical testing. Allele origin: germline.

Mendelics
Classification: Benign for Cystic fibrosis. Last evaluated: 2023-08-22. Review status: criteria provided, single submitter. Criteria: Mendelics Assertion Criteria 2019. Collection method: clinical testing. Allele origin: germline.

CeGaT Center for Human Genetics Tuebingen
Classification: Likely benign. Last evaluated: 2023-07-01. Review status: criteria provided, single submitter. Criteria: CeGaT Center For Human Genetics Tuebingen Variant Classification Criteria Version 2. Collection method: clinical testing. Allele origin: germline. Affected: yes. Observed: 1 variant allele.
Comment: CFTR: BP4

Johns Hopkins Genomics, Johns Hopkins University
Classification: Likely benign for Cystic fibrosis. Last evaluated: 2023-02-14. Review status: criteria provided, single submitter. Criteria: ACMG Guidelines, 2015. Collection method: clinical testing. Allele origin: germline.

Sema4
Classification: Likely benign for Hereditary pancreatitis. Last evaluated: 2021-08-03. Review status: criteria provided, single submitter. Criteria: Sema4 Curation Guidelines. Collection method: curation. Allele origin: germline.

Genome-Nilou Lab
Classification: Likely benign for Cystic fibrosis. Last evaluated: 2021-07-22. Review status: criteria provided, single submitter. Criteria: ACMG Guidelines, 2015. Collection method: clinical testing. Allele origin: germline. Affected: no.

GeneDx
Classification: Likely benign. Last evaluated: 2020-02-07. Review status: criteria provided, single submitter. Criteria: GeneDx Variant Classification Process June 2021. Collection method: clinical testing. Allele origin: germline. Affected: yes.
Comment: This variant is associated with the following publications: (PMID: 32429104, 10571949, 10601093, 10746558, 11938439, 21499205, 23381846, 21708286, 20717170, 15858154, 21198395, 7691344, 21520337, 25087612, 25781545, 25525159, 17020467, 15758663)

Ambry Genetics
Classification: Likely benign for Cystic fibrosis. Last evaluated: 2019-01-22. Review status: criteria provided, single submitter. Criteria: Ambry Variant Classification Scheme 2023. Collection method: clinical testing. Allele origin: germline.

Eurofins Ntd Llc (ga)
Classification: Uncertain significance. Last evaluated: 2018-07-09. Review status: criteria provided, single submitter. Criteria: EGL ClinVar v180209 classification definitions. Collection method: clinical testing. Allele origin: germline. Observed: 4 variant alleles, 4 heterozygotes.

Illumina Laboratory Services, Illumina
Classification: Uncertain significance for CFTR-Related Disorders. Last evaluated: 2017-04-27. Review status: criteria provided, single submitter. Criteria: ICSL Variant Classification Criteria 13 December 2019. Collection method: clinical testing. Allele origin: germline.
Comment: This variant was observed as part of a predisposition screen in an ostensibly healthy population. A literature search was performed for the gene, cDNA change, and amino acid change (where applicable). Publications were found based on this search. However, the evidence from the literature, in combination with allele frequency data from public databases where available, was not sufficient to rule this variant in or out of causing disease. Therefore, this variant is classified as a variant of unknown significance.

Women's Health and Genetics/Laboratory Corporation of America, LabCorp
Classification: Likely benign. Last evaluated: 2016-06-19. Review status: criteria provided, single submitter. Criteria: LabCorp Variant Classification Summary - May 2015. Collection method: clinical testing. Allele origin: germline.
Comment: Variant summary: The c.274-6T>C in CFTR gene is an intronic variant that affects a non-conserved nucleotide located at a position not widely known to affect splicing. 5/5 in silico tools predict no significant effects on splicing and these predictions been confirmed by in vitro/vivo studies (Raynal , 2013). Variant was observed in the large and broad cohorts of the ExAC project at an allele frequency of 0.0005 (59/114809 chrs tested) predominantly in individuals of Non-Finnish European ancestry. Although the observed frequency does not exceed the maximal expected allele frequency of a disease causing allele (0.006), it is more than carrier frequency of all known splice acceptor mutations in ExAC cohort, indicating it is rare polymorphism. The variant was reported in several CF-RD spectrum patients without strong evidence for pathogenicity as well as in unaffected controls. Clinical diagnostic centers classify variant as Benign/VUS without evidence to independently evaluate. Taking together, the variant was classified as Likely Benign.

Laboratory for Molecular Medicine, Mass General Brigham Personalized Medicine
Classification: Likely benign. Last evaluated: 2016-04-25. Review status: criteria provided, single submitter. Criteria: LMM Criteria. Collection method: clinical testing. Allele origin: germline.
Comment: Variant identified in a genome or exome case(s) and assessed due to predicted null impact of the variant or pathogenic assertions in the literature or databases. Disclaimer: This variant has not undergone full assessment. The following are preliminary notes: Not reported. No information available. Gene not associated to pt disease.

Natera, Inc.
Classification: Likely benign for Cystic Fibrosis. Last evaluated: 2019-08-07. Review status: no assertion criteria provided. Collection method: clinical testing. Allele origin: germline. Not counted in ClinVar's aggregate classification.

Literature cited by the submitters: PubMed 37628659 (cited by Mayo Clinic Laboratories, Mayo Clinic and Quest Diagnostics Nichols Institute San Juan Capistrano); PubMed 37823318 (cited by Mayo Clinic Laboratories, Mayo Clinic); PubMed 21520337 (cited by 3 submitters); PubMed 20717170 (cited by 3 submitters); PubMed 21708286 (cited by Quest Diagnostics Nichols Institute San Juan Capistrano); PubMed 21198395 (cited by 3 submitters); PubMed 26436105 (cited by Quest Diagnostics Nichols Institute San Juan Capistrano); PubMed 25781545 (cited by 3 submitters); PubMed 7691344 (cited by 4 submitters); PubMed 23381846 (cited by 4 submitters); PubMed 34996830 (cited by Quest Diagnostics Nichols Institute San Juan Capistrano); PubMed 32429104 (cited by Quest Diagnostics Nichols Institute San Juan Capistrano and Sema4); PubMed 32819855 (cited by Quest Diagnostics Nichols Institute San Juan Capistrano); PubMed 34525262 (cited by Quest Diagnostics Nichols Institute San Juan Capistrano); PubMed 10601093 (cited by Johns Hopkins Genomics, Johns Hopkins University and Women's Health and Genetics/Laboratory Corporation of America, LabCorp); PubMed 11938439 (cited by Sema4 and Women's Health and Genetics/Laboratory Corporation of America, LabCorp); PubMed 21499205 (cited by Sema4 and Women's Health and Genetics/Laboratory Corporation of America, LabCorp); PubMed 15758663 (cited by Sema4 and Women's Health and Genetics/Laboratory Corporation of America, LabCorp); PubMed 15858154 (cited by Sema4 and Women's Health and Genetics/Laboratory Corporation of America, LabCorp); PubMed 10746558 (cited by Women's Health and Genetics/Laboratory Corporation of America, LabCorp); PubMed 10571949 (cited by Women's Health and Genetics/Laboratory Corporation of America, LabCorp); PubMed 16141195 (cited by Women's Health and Genetics/Laboratory Corporation of America, LabCorp); PubMed 17020467 (cited by Women's Health and Genetics/Laboratory Corporation of America, LabCorp); PubMed 25087612 (cited by Women's Health and Genetics/Laboratory Corporation of America, LabCorp).